The following is an entry in ClinVar:

NM_001374353.1(GLI2):c.3907del (p.Ser1303fs)

Gene: GLI2 (GLI family zinc finger 2; plus strand). Cytogenetic location: 2q14.2.
Variant type: Deletion.
Coding change: c.3907del on transcript NM_001374353.1 (MANE Select); coding-DNA position 3907, one base deleted (A; older notation c.3907delA).
Protein change: p.Ser1303fs; shifts the reading frame from serine 1303.
Molecular consequence: frameshift variant.
Genome position (GRCh38, 1-based): chr2:120,989,872, A deleted. VCF-style (leftmost placement, unchanged base first): chr2-120989871-GA-G. GRCh37 (hg19) VCF-style: chr2-121747447-GA-G.
Other names: c.3958del, p.Ser1320fs (NM_001371271.1, NM_005270.5); c.3532del, p.Ser1178fs (NM_001374354.1); short protein forms S1178fs, S1303fs, S1320fs.
Identifiers: ClinVar variation 4879873 (VCV004879873.1).

ClinVar aggregate classification (germline): Uncertain significance (1 of 4 stars; one submission).

Conditions:
Postaxial polydactyly-anterior pituitary anomalies-facial dysmorphism syndrome. Also called: Culler-Jones syndrome. Identifiers: Orphanet 420584, MedGen C4014479, MONDO:0014369, OMIM 615849.

Submission:

MVZ Medizinische Genetik Mainz
Classification: Uncertain significance for Postaxial polydactyly-anterior pituitary anomalies-facial dysmorphism syndrome. Last evaluated: 2026-07-15. Review status: criteria provided, single submitter. Criteria: UK Practice Guidelines For Variant Classification V4 01 2020. Collection method: clinical testing. Allele origin: germline. Inheritance: Autosomal dominant inheritance. Affected: yes. Observed: 1 variant allele.
Comment: ACMG Criteria: PVS1_STR,PM2_SUP